The following is an entry in ClinVar:

NM_020987.5(ANK3):c.11720T>C (p.Val3907Ala)

Gene: ANK3 (ankyrin 3; minus strand). Cytogenetic location: 10q21.2.
Variant type: single nucleotide variant.
Coding change: c.11720T>C on transcript NM_020987.5 (MANE Select); coding-DNA position 11720, T replaced by C.
Protein change: p.Val3907Ala; replaces valine 3907 with alanine.
Molecular consequence: missense variant. On other transcripts: intron variant (4).
Genome position (GRCh38, 1-based): chr10:60,069,161, A>G on the plus strand (T>C on the coding strand, the complement: ANK3 is on the minus strand). VCF-style: chr10-60069161-A-G. GRCh37 (hg19) VCF-style: chr10-61828919-A-G.
Other names: c.4388-1152T>C (NM_001204403.2); c.4409-1152T>C (NM_001204404.2); c.4406-1152T>C (NM_001320874.2); c.1808-1152T>C (NM_001149.4); c.11720T>C (NM_020987.3); short protein forms V3907A.
Identifiers: ClinVar variation 2201539 (VCV002201539.4), dbSNP rs780383183, ClinGen allele CA5511047.

ClinVar aggregate classification (germline): Uncertain significance. Review status: criteria provided, multiple submitters, no conflicts (2 of 4 stars). 2 submissions from 2 submitters: Uncertain significance (2). Last evaluated 2025-08-24.

Conditions:
Inborn genetic diseases. Identifiers: MedGen C0950123, MeSH D030342.

Allele frequency attached by ClinVar (database versions not stated): gnomAD 0.00001; gnomAD exomes 0.00001; ExAC 0.00002; TOPMed 0.00002.
gnomAD v4.1: 13 of 1,614,070 alleles (0.00081%); highest among the groups gnomAD compares: Middle Eastern, 0.016%; no homozygotes.

Submissions (2):

Ambry Genetics
Classification: Uncertain significance for Inborn genetic diseases. Last evaluated: 2025-08-24. Review status: criteria provided, single submitter. Criteria: Ambry Variant Classification Scheme 2023. Collection method: clinical testing. Allele origin: germline.

Labcorp Genetics (formerly Invitae), Labcorp
Classification: Uncertain significance. Last evaluated: 2022-12-16. Review status: criteria provided, single submitter. Criteria: Invitae Variant Classification Sherloc (09022015). Collection method: clinical testing. Allele origin: germline.
Comment: This sequence change replaces valine, which is neutral and non-polar, with alanine, which is neutral and non-polar, at codon 3907 of the ANK3 protein (p.Val3907Ala). This variant is present in population databases (rs780383183, gnomAD 0.02%). This variant has not been reported in the literature in individuals affected with ANK3-related conditions. Advanced modeling of protein sequence and biophysical properties (such as structural, functional, and spatial information, amino acid conservation, physicochemical variation, residue mobility, and thermodynamic stability) performed at Invitae indicates that this missense variant is not expected to disrupt ANK3 protein function. In summary, the available evidence is currently insufficient to determine the role of this variant in disease. Therefore, it has been classified as a Variant of Uncertain Significance.